The following is an entry in ClinVar:

NM_006361.6(HOXB13):c.16T>A (p.Tyr6Asn)

Gene: HOXB13 (homeobox B13; minus strand). Cytogenetic location: 17q21.32.
Variant type: single nucleotide variant.
Coding change: c.16T>A on transcript NM_006361.6 (MANE Select); coding-DNA position 16, T replaced by A.
Protein change: p.Tyr6Asn; replaces tyrosine 6 with asparagine.
Molecular consequence: missense variant.
Genome position (GRCh38, 1-based): chr17:48,728,578, A>T on the plus strand (T>A on the coding strand, the complement: HOXB13 is on the minus strand). VCF-style: chr17-48728578-A-T. GRCh37 (hg19) VCF-style: chr17-46805940-A-T.
Other names: short protein forms Y6N.
Identifiers: ClinVar variation 3526290 (VCV003526290.1).

ClinVar aggregate classification (germline): Uncertain significance (1 of 4 stars; one submission).

Conditions:
Hereditary cancer-predisposing syndrome. Also called: Hereditary Cancer Syndrome; Hereditary neoplastic syndrome; Tumor predisposition; Neoplastic Syndromes, Hereditary. Identifiers: Orphanet 140162, MedGen C0027672, MeSH D009386, MONDO:0015356.

Submission:

Ambry Genetics
Classification: Uncertain significance for Hereditary cancer-predisposing syndrome. Last evaluated: 2024-11-08. Review status: criteria provided, single submitter. Criteria: Ambry Variant Classification Scheme 2023. Collection method: clinical testing. Allele origin: germline.
Comment: The p.Y6N variant (also known as c.16T>A), located in coding exon 1 of the HOXB13 gene, results from a T to A substitution at nucleotide position 16. The tyrosine at codon 6 is replaced by asparagine, an amino acid with dissimilar properties. This amino acid position is not well conserved in available vertebrate species. In addition, the in silico prediction for this alteration is inconclusive. Based on the available evidence, the clinical significance of this variant remains unclear.